The following is an entry in ClinVar:

ClinVar aggregate classification (germline): Likely benign. Review status: criteria provided, multiple submitters, no conflicts (2 of 4 stars). 2 submissions from 2 submitters: Likely benign (2). Last evaluated 2025-08-22.

Conditions:
Angelman syndrome (AS). Also called: HAPPY PUPPET SYNDROME. Identifiers: Orphanet 72, MedGen C0162635, MONDO:0007113, OMIM 105830. Disease mechanism: loss of function. Inheritance: imprinting disorder, AS is caused by disruption of maternally imprinted UBE3A located within the 15q11.2-q13 Angelman syndrome/Prader-Willi syndrome (AS/PWS) region..

Allele frequency attached by ClinVar (database versions not stated): gnomAD 0.00001; gnomAD exomes 0.00002; TOPMed 0.00002.
gnomAD v4.1: 34 of 1,609,858 alleles (0.0021%); highest among the groups gnomAD compares: Non-Finnish European, 0.0028%; no homozygotes.

Submissions (2):

Labcorp Genetics (formerly Invitae), Labcorp
Classification: Likely benign for Angelman syndrome. Last evaluated: 2025-08-22. Review status: criteria provided, single submitter. Criteria: Invitae Variant Classification Sherloc (09022015). Collection method: clinical testing. Allele origin: germline.

GeneDx
Classification: Likely benign. Last evaluated: 2016-05-24. Review status: criteria provided, single submitter. Criteria: GeneDx Variant Classification (06012015). Collection method: clinical testing. Allele origin: germline. Affected: yes.
Comment: This variant is considered likely benign or benign based on one or more of the following criteria: it is a conservative change, it occurs at a poorly conserved position in the protein, it is predicted to be benign by multiple in silico algorithms, and/or has population frequency not consistent with disease.

NM_130839.5(UBE3A):c.2124+8A>G

Genes: SNHG14 (small nucleolar RNA host gene 14; plus strand), UBE3A (ubiquitin protein ligase E3A; minus strand). Cytogenetic location: 15q11.2.
Variant type: single nucleotide variant.
Coding change: c.2124+8A>G on transcript NM_130839.5 (MANE Select); 8 bases into the intron after coding-DNA position 2124, A replaced by G.
Molecular consequence: intron variant.
Genome position (GRCh38, 1-based): chr15:25,355,884, T>C on the plus strand (A>G on the coding strand, the complement: UBE3A is on the minus strand). VCF-style: chr15-25355884-T-C. GRCh37 (hg19) VCF-style: chr15-25601031-T-C.
Other names: c.1947+8A>G (NM_001354546.2); c.813+8A>G (NM_001354551.2); c.1899+807A>G (NM_001354549.2); c.2064+8A>G (NM_001354548.2, NM_130838.4, NM_001354542.2 and 16 more transcripts); c.873+8A>G (NM_001354550.2); c.2124+8A>G (NM_001354545.2, NM_001354538.2, NM_001354505.1); c.2133+8A>G (NM_000462.5).
Identifiers: ClinVar variation 386394 (VCV000386394.9), dbSNP rs1057522487, ClinGen allele CA16607747.